The following is an entry in ClinVar:

ClinVar aggregate classification (germline): Uncertain significance (1 of 4 stars; one submission).

Submission:

GeneDx
Classification: Uncertain significance. Last evaluated: 2024-02-22. Review status: criteria provided, single submitter. Criteria: GeneDx Variant Classification Process June 2021. Collection method: clinical testing. Allele origin: germline. Affected: yes.
Comment: Not observed at significant frequency in large population cohorts (gnomAD); In silico analysis supports that this missense variant has a deleterious effect on protein structure/function; Has not been previously published as pathogenic or benign to our knowledge

NM_025132.4(WDR19):c.2318A>G (p.Gln773Arg)

Gene: WDR19 (WD repeat domain 19; plus strand). Cytogenetic location: 4p14.
Variant type: single nucleotide variant.
Coding change: c.2318A>G on transcript NM_025132.4 (MANE Select); coding-DNA position 2318, A replaced by G.
Protein change: p.Gln773Arg; replaces glutamine 773 with arginine.
Molecular consequence: missense variant.
Genome position (GRCh38, 1-based): chr4:39,234,830, A>G. VCF-style: chr4-39234830-A-G. GRCh37 (hg19) VCF-style: chr4-39236450-A-G.
Other names: c.1838A>G, p.Gln613Arg (NM_001317924.2); short protein forms Q613R, Q773R.
Identifiers: ClinVar variation 3369715 (VCV003369715.1).